The following is an entry in ClinVar:

ClinVar aggregate classification (germline): Uncertain significance. Review status: criteria provided, multiple submitters, no conflicts (2 of 4 stars). 2 submissions from 2 submitters: Uncertain significance (2). Last evaluated 2025-11-10.

Conditions:
Bloom syndrome (BLM). Also called: Bloom-Torre-Machacek syndrome. Identifiers: Orphanet 125, MedGen C0005859, MONDO:0008876, OMIM 210900.

Submissions (2):

Labcorp Genetics (formerly Invitae), Labcorp
Classification: Uncertain significance for Bloom syndrome. Last evaluated: 2025-11-10. Review status: criteria provided, single submitter. Criteria: Invitae Variant Classification Sherloc (09022015). Collection method: clinical testing. Allele origin: germline.
Comment: This sequence change replaces alanine, which is neutral and non-polar, with phenylalanine, which is neutral and non-polar, at codon 1136 of the BLM protein (p.Ala1136Phe). Information on the frequency of this variant in the gnomAD database is not available, as this variant may be reported differently in the database. This variant has not been reported in the literature in individuals affected with BLM-related conditions. ClinVar contains an entry for this variant (Variation ID: 1393180). An algorithm developed to predict the effect of missense changes on protein structure and function (PolyPhen-2) suggests that this variant is likely to be disruptive. In summary, the available evidence is currently insufficient to determine the role of this variant in disease. Therefore, it has been classified as a Variant of Uncertain Significance.

GeneDx
Classification: Uncertain significance. Last evaluated: 2024-06-05. Review status: criteria provided, single submitter. Criteria: GeneDx Variant Classification Process June 2021. Collection method: clinical testing. Allele origin: germline. Affected: yes.
Comment: Not observed at significant frequency in large population cohorts (gnomAD); In silico analysis supports a deleterious effect on protein structure/function; Has not been previously published as pathogenic or benign to our knowledge

NM_000057.4(BLM):c.3406_3407delinsTT (p.Ala1136Phe)

Gene: BLM (BLM RecQ like helicase; plus strand). Cytogenetic location: 15q26.1.
Variant type: Indel.
Coding change: c.3406_3407delinsTT on transcript NM_000057.4 (MANE Select); coding-DNA positions 3406 to 3407, GC replaced by TT.
Protein change: p.Ala1136Phe; replaces alanine 1136 with phenylalanine.
Molecular consequence: missense variant. On other transcripts: intron variant (1).
Genome position (GRCh38, 1-based): chr15:90,803,568-90,803,569, GC replaced by TT. VCF-style: chr15-90803568-GC-TT. GRCh37 (hg19) VCF-style: chr15-91346798-GC-TT.
Other names: c.3406_3407delinsTT, p.Ala1136Phe (NM_001287246.2); c.2281_2282delinsTT, p.Ala761Phe (NM_001287248.2); c.3358+5231_3358+5232delinsTT (NM_001287247.2); c.3406_3407delinsTT (NM_000057.2); short protein forms A1136F, A761F.
Identifiers: ClinVar variation 1393180 (VCV001393180.9), dbSNP rs2151194224, ClinGen allele CA2573151458.
Genomic context (GRCh38, chr15:90,803,568, plus strand): 5'-ATCTTCTTATCAGGGAGTAAGAGTGCAAAAATCCAGTCAGGTATATTTGGAAAAGGATCT[GC>TT]TTATTCACGACACAATGCCGAAAGACTTTTTAAAAAGCTGATACTTGACAAGATTTTGGA-3'
Protein context (NP_000048.1, residues 1126-1146): IQSGIFGKGS[Ala1136Phe]YSRHNAERLF